The following is an entry in ClinVar:

NM_001070.5(TUBG1):c.787A>G (p.Thr263Ala)

Gene: TUBG1 (tubulin gamma 1; plus strand). Cytogenetic location: 17q21.2.
Variant type: single nucleotide variant.
Coding change: c.787A>G on transcript NM_001070.5 (MANE Select); coding-DNA position 787, A replaced by G.
Protein change: p.Thr263Ala; replaces threonine 263 with alanine.
Molecular consequence: missense variant.
Genome position (GRCh38, 1-based): chr17:42,613,942, A>G. VCF-style: chr17-42613942-A-G. GRCh37 (hg19) VCF-style: chr17-40765960-A-G.
Other names: short protein forms T263A.
Identifiers: ClinVar variation 3374870 (VCV003374870.1).
Genomic context (GRCh38, chr17:42,613,942, plus strand): 5'-CTGCGCTACCCTGGCTACATGAACAATGACCTCATCGGCCTCATCGCCTCGCTCATTCCC[A>G]CCCCACGGCTCCACTTCCTCATGACCGGCTACACCCCTCTCACTACGGACCAGTCAGTAA-3'
Protein context (NP_001061.2, residues 253-273): LIGLIASLIP[Thr263Ala]PRLHFLMTGY

ClinVar aggregate classification (germline): Uncertain significance (1 of 4 stars; one submission).

Submission:

Women's Health and Genetics/Laboratory Corporation of America, LabCorp
Classification: Uncertain significance. Last evaluated: 2024-09-11. Review status: criteria provided, single submitter. Criteria: LabCorp Variant Classification Summary - May 2015. Collection method: clinical testing. Allele origin: germline.
Comment: Variant summary: TUBG1 c.787A>G (p.Thr263Ala) results in a non-conservative amino acid change located in the Tubulin/FtsZ, 2-layer sandwich domain (IPR018316) of the encoded protein sequence. Three of five in-silico tools predict a damaging effect of the variant on protein function. The variant allele was found at a frequency of 4e-06 in 251426 control chromosomes. The available data on variant occurrences in the general population are insufficient to allow any conclusion about variant significance. To our knowledge, no occurrence of c.787A>G in individuals affected with Complex Cortical Dysplasia With Other Brain Malformations 4 and no experimental evidence demonstrating its impact on protein function have been reported. No submitters have cited clinical-significance assessments for this variant to ClinVar. Based on the evidence outlined above, the variant was classified as uncertain significance.